The following is an entry in ClinVar:

ClinVar aggregate classification (germline): Pathogenic (1 of 4 stars; one submission).

Conditions:
Developmental and epileptic encephalopathy, 9 (DEE9). Also called: EPILEPSY, FEMALE-RESTRICTED, WITH MENTAL RETARDATION; Early infantile epileptic encephalopathy 9; PCDH19-Related X-Linked Female-Limited Epilepsy with Mental Retardation; JUBERG-HELLMAN SYNDROME. Identifiers: Orphanet 101039, Orphanet 2076, MedGen C1848137, MONDO:0010246, OMIM 300088. Disease mechanism: loss of function.

Submission:

Labcorp Genetics (formerly Invitae), Labcorp
Classification: Pathogenic for Developmental and epileptic encephalopathy, 9. Last evaluated: 2024-10-10. Review status: criteria provided, single submitter. Criteria: Invitae Variant Classification Sherloc (09022015). Collection method: clinical testing. Allele origin: germline.
Comment: This sequence change falls in intron 4 of the PCDH19 gene. It does not directly change the encoded amino acid sequence of the PCDH19 protein. This variant is not present in population databases (gnomAD no frequency). This variant has been observed in individual(s) with PCDH19-related disease (PMID: 20713952, 22946748). In at least one individual the variant was observed to be de novo. ClinVar contains an entry for this variant (Variation ID: 648238). Algorithms developed to predict the effect of sequence changes on RNA splicing suggest that this variant may disrupt the consensus splice site. For these reasons, this variant has been classified as Pathogenic.

Literature cited by the submitters: PubMed 20713952; PubMed 22946748.

NM_001184880.2(PCDH19):c.2676-6A>G

Gene: PCDH19 (protocadherin 19; minus strand). Cytogenetic location: Xq22.1.
Variant type: single nucleotide variant.
Coding change: c.2676-6A>G on transcript NM_001184880.2 (MANE Select); 6 bases into the intron before coding-DNA position 2676, A replaced by G.
Molecular consequence: intron variant.
Genome position (GRCh38, 1-based): chrX:100,342,081, T>C on the plus strand (A>G on the coding strand, the complement: PCDH19 is on the minus strand). VCF-style: chrX-100342081-T-C. GRCh37 (hg19) VCF-style: chrX-99597079-T-C.
Other names: c.2535-9A>G (NM_020766.3); c.2535-6A>G (NM_001105243.2).
Identifiers: ClinVar variation 648238 (VCV000648238.7), dbSNP rs1602595136, ClinGen allele CA915951291.